The following is an entry in ClinVar:

NM_000179.3(MSH6):c.1544G>A (p.Arg515Lys)

Gene: MSH6 (mutS homolog 6; plus strand). Cytogenetic location: 2p16.3.
Variant type: single nucleotide variant.
Coding change: c.1544G>A on transcript NM_000179.3 (MANE Select); coding-DNA position 1544, G replaced by A.
Protein change: p.Arg515Lys; replaces arginine 515 with lysine.
Molecular consequence: missense variant.
Genome position (GRCh38, 1-based): chr2:47,799,527, G>A. VCF-style: chr2-47799527-G-A. GRCh37 (hg19) VCF-style: chr2-48026666-G-A.
Other names: c.1154G>A, p.Arg385Lys (NM_001281492.2); c.638G>A, p.Arg213Lys (NM_001281493.2, NM_001281494.2); short protein forms R213K, R385K, R515K.
Identifiers: ClinVar variation 919275 (VCV000919275.9), dbSNP rs1669343421, ClinGen allele CA346746606.

ClinVar aggregate classification (germline): Uncertain significance. Review status: criteria provided, multiple submitters, no conflicts (2 of 4 stars). 2 submissions from 2 submitters: Uncertain significance (2). Last evaluated 2024-12-12.

Conditions:
Hereditary nonpolyposis colorectal neoplasms. Identifiers: MedGen C0009405, MeSH D003123.
Hereditary cancer-predisposing syndrome. Also called: Neoplastic Syndromes, Hereditary; Tumor predisposition; Hereditary Cancer Syndrome; Hereditary neoplastic syndrome. Identifiers: Orphanet 140162, MedGen C0027672, MeSH D009386, MONDO:0015356.

Submissions (2):

Labcorp Genetics (formerly Invitae), Labcorp
Classification: Uncertain significance for Hereditary nonpolyposis colorectal neoplasms. Last evaluated: 2024-12-12. Review status: criteria provided, single submitter. Criteria: Invitae Variant Classification Sherloc (09022015). Collection method: clinical testing. Allele origin: germline.
Comment: This sequence change replaces arginine, which is basic and polar, with lysine, which is basic and polar, at codon 515 of the MSH6 protein (p.Arg515Lys). This variant is not present in population databases (gnomAD no frequency). This variant has not been reported in the literature in individuals affected with MSH6-related conditions. ClinVar contains an entry for this variant (Variation ID: 919275). Invitae Evidence Modeling of protein sequence and biophysical properties (such as structural, functional, and spatial information, amino acid conservation, physicochemical variation, residue mobility, and thermodynamic stability) indicates that this missense variant is not expected to disrupt MSH6 protein function with a negative predictive value of 95%. In summary, the available evidence is currently insufficient to determine the role of this variant in disease. Therefore, it has been classified as a Variant of Uncertain Significance.

Color Diagnostics, LLC DBA Color Health
Classification: Uncertain significance for Hereditary cancer-predisposing syndrome. Last evaluated: 2020-03-11. Review status: criteria provided, single submitter. Criteria: ACMG Guidelines, 2015. Collection method: clinical testing. Allele origin: germline.
Comment: This missense variant replaces arginine with lysine at codon 515 of the MSH6 protein. Computational prediction is inconclusive regarding the impact of this variant on protein structure and function (internally defined REVEL score threshold 0.5 < inconclusive < 0.7, PMID: 27666373). Splice site prediction tools suggest that this variant may not impact RNA splicing. To our knowledge, functional studies have not been reported for this variant. This variant has not been reported in individuals affected with hereditary cancer in the literature. This variant has not been identified in the general population by the Genome Aggregation Database (gnomAD). The available evidence is insufficient to determine the role of this variant in disease conclusively. Therefore, this variant is classified as a Variant of Uncertain Significance.